The following is an entry in ClinVar:

ClinVar aggregate classification (germline): Uncertain significance. Review status: criteria provided, multiple submitters, no conflicts (2 of 4 stars). 2 submissions from 2 submitters: Uncertain significance (2). Last evaluated 2025-03-30.

Conditions:
Inborn genetic diseases. Identifiers: MedGen C0950123, MeSH D030342.

gnomAD v4.1: 3 of 1,613,380 alleles (0.00019%); highest among the groups gnomAD compares: Non-Finnish European, 0.00025%; no homozygotes.

Submissions (2):

Ambry Genetics
Classification: Uncertain significance for Inborn genetic diseases. Last evaluated: 2025-03-30. Review status: criteria provided, single submitter. Criteria: Ambry Variant Classification Scheme 2023. Collection method: clinical testing. Allele origin: germline.

Labcorp Genetics (formerly Invitae), Labcorp
Classification: Uncertain significance. Last evaluated: 2024-11-05. Review status: criteria provided, single submitter. Criteria: Invitae Variant Classification Sherloc (09022015). Collection method: clinical testing. Allele origin: germline.
Comment: This sequence change replaces glutamine, which is neutral and polar, with lysine, which is basic and polar, at codon 125 of the SETD5 protein (p.Gln125Lys). This variant is not present in population databases (gnomAD no frequency). This variant has not been reported in the literature in individuals affected with SETD5-related conditions. Invitae Evidence Modeling of protein sequence and biophysical properties (such as structural, functional, and spatial information, amino acid conservation, physicochemical variation, residue mobility, and thermodynamic stability) indicates that this missense variant is not expected to disrupt SETD5 protein function with a negative predictive value of 80%. In summary, the available evidence is currently insufficient to determine the role of this variant in disease. Therefore, it has been classified as a Variant of Uncertain Significance.

NM_001080517.3(SETD5):c.373C>A (p.Gln125Lys)

Gene: SETD5 (SET domain containing 5; plus strand). Cytogenetic location: 3p25.3.
Variant type: single nucleotide variant.
Coding change: c.373C>A on transcript NM_001080517.3 (MANE Select); coding-DNA position 373, C replaced by A.
Protein change: p.Gln125Lys; replaces glutamine 125 with lysine.
Molecular consequence: missense variant.
Genome position (GRCh38, 1-based): chr3:9,434,867, C>A. VCF-style: chr3-9434867-C-A. GRCh37 (hg19) VCF-style: chr3-9476551-C-A.
Other names: c.373C>A (NM_001080517.1); c.40C>A, p.Gln14Lys (NM_001292043.2, NM_001349451.2); short protein forms Q125K, Q14K.
Identifiers: ClinVar variation 3621463 (VCV003621463.3).